The following is an entry in ClinVar:

ClinVar aggregate classification (germline): Likely pathogenic. Review status: criteria provided, single submitter (1 of 4 stars). 2 submissions from 2 submitters: Likely pathogenic (1). 1 of the submissions does not count toward it. Last evaluated 2021-04-26.

Conditions:
KIAA1109-related disorders.
BLTP1-related disorder. Also called: BLTP1-related condition.

Allele frequency attached by ClinVar (database versions not stated): gnomAD exomes below 0.00001; gnomAD 0.00001; TOPMed 0.00001.
gnomAD v4.1: 3 of 1,613,910 alleles (0.00019%); highest among the groups gnomAD compares: African/African-American, 0.0013%; no homozygotes.

Submissions (2):

Blueprint Genetics
Classification: Likely pathogenic for KIAA1109-related disorders. Last evaluated: 2021-04-26. Review status: criteria provided, single submitter. Criteria: ACMG Guidelines, 2015. Collection method: clinical testing. Allele origin: germline. Affected: yes. Observed: 1 variant allele.

PreventionGenetics, part of Exact Sciences
Classification: Likely pathogenic for BLTP1-related condition. Last evaluated: 2024-02-29. Review status: no assertion criteria provided. Collection method: clinical testing. Allele origin: germline. Not counted in ClinVar's aggregate classification.
Comment: The BLTP1 c.9568C>T variant is predicted to result in premature protein termination (p.Arg3190*). To our knowledge, this variant has not been reported in the literature or in a large population database, indicating this variant is rare. Nonsense variants in BLTP1 are expected to be pathogenic. This variant is interpreted as likely pathogenic.

NM_001384125.1(BLTP1):c.9568C>T (p.Arg3190Ter)

Gene: BLTP1 (bridge-like lipid transfer protein family member 1; plus strand). Cytogenetic location: 4q27.
Variant type: single nucleotide variant.
Coding change: c.9568C>T on transcript NM_001384125.1 (MANE Select); coding-DNA position 9568, C replaced by T.
Protein change: p.Arg3190Ter; replaces arginine 3190 with a stop codon.
Molecular consequence: nonsense.
Genome position (GRCh38, 1-based): chr4:122,304,879, C>T. VCF-style: chr4-122304879-C-T. GRCh37 (hg19) VCF-style: chr4-123226034-C-T.
Other names: c.9568C>T, p.Arg3190Ter (NM_015312.4); short protein forms R3190*.
Identifiers: ClinVar variation 3045264 (VCV003045264.3), dbSNP rs1186567070, ClinGen allele CA358082777.
Genomic context (GRCh38, chr4:122,304,879, plus strand): 5'-ACTCCATCAATGAGAGCTGTAAGATTTGAAACTGGATTGATTGAACTGGAACTTTCTAAC[C>T]GACTTCAAACCAAAGCTTCACCAGGAAGTAGCAGCTATCTGAAACTGTTTGGCAAATGCC-3'